The following is an entry in ClinVar:

NM_001374736.1(DST):c.15903G>T (p.Ser5301=)

Gene: DST (dystonin; minus strand). Cytogenetic location: 6p12.1.
Variant type: single nucleotide variant.
Coding change: c.15903G>T on transcript NM_001374736.1 (MANE Select); coding-DNA position 15903, G replaced by T.
Protein change: p.Ser5301=; no amino-acid change (serine 5301 retained).
Molecular consequence: synonymous variant.
Genome position (GRCh38, 1-based): chr6:56,552,889, C>A on the plus strand (G>T on the coding strand, the complement: DST is on the minus strand). VCF-style: chr6-56552889-C-A. GRCh37 (hg19) VCF-style: chr6-56417687-C-A.
Other names: c.9546G>T, p.Ser3182= (NM_001144769.5); c.9132G>T, p.Ser3044= (NM_001144770.2); c.15903G>T, p.Ser5301= (NM_001374722.1); c.15270G>T, p.Ser5090= (NM_001374729.1); c.9012G>T, p.Ser3004= (NM_001374730.1, NM_001386100.1, NM_183380.4); c.15930G>T, p.Ser5310= (NM_001374734.1); c.8034G>T, p.Ser2678= (NM_015548.5); c.9546G>T (NM_001144769.2).
Identifiers: ClinVar variation 1096021 (VCV001096021.11), dbSNP rs371189011, ClinGen allele CA3867758.

ClinVar aggregate classification (germline): Likely benign. Review status: criteria provided, multiple submitters, no conflicts (2 of 4 stars). 3 submissions from 3 submitters: Likely benign (3). Last evaluated 2025-10-10.

Conditions:
Hereditary sensory and autonomic neuropathy type 6. Also called: HSAN VI; Neuropathy, hereditary sensory and autonomic, type VI. Identifiers: Orphanet 314381, MedGen C3539003, MONDO:0013839, OMIM 614653.
Epidermolysis bullosa simplex 3, localized or generalized intermediate, with BP230 deficiency (EBS3). Also called: Epidermolysis bullosa simplex, autosomal recessive 2; Epidermolysis bullosa simplex due to BP230 deficiency. Identifiers: Orphanet 412181, MedGen C3809470, MONDO:0014180, OMIM 615425.
DST-related disorder. Also called: DST-related condition; DST-related disorders.

Allele frequency attached by ClinVar (database versions not stated): ESP Exome Variant Server 0.00017.
gnomAD v4.1: 463 of 1,613,796 alleles (0.029%); highest among the groups gnomAD compares: Non-Finnish European, 0.038%; no homozygotes.

Submissions (3):

Labcorp Genetics (formerly Invitae), Labcorp
Classification: Likely benign for Epidermolysis bullosa simplex 3, localized or generalized intermediate, with BP230 deficiency; Hereditary sensory and autonomic neuropathy type 6. Last evaluated: 2025-10-10. Review status: criteria provided, single submitter. Criteria: Invitae Variant Classification Sherloc (09022015). Collection method: clinical testing. Allele origin: germline.

PreventionGenetics, part of Exact Sciences
Classification: Likely benign for DST-related condition. Last evaluated: 2025-05-27. Review status: criteria provided, single submitter. Criteria: ACMG Guidelines, 2015. Collection method: clinical testing. Allele origin: germline.
Comment: This variant is classified as likely benign based on ACMG/AMP sequence variant interpretation guidelines (Richards et al. 2015 PMID: 25741868, with internal and published modifications).

Blueprint Genetics
Classification: Likely benign. Last evaluated: 2024-09-20. Review status: criteria provided, single submitter. Criteria: ACMG Guidelines, 2015. Collection method: clinical testing. Allele origin: germline.